The following is an entry in ClinVar:

NM_001267550.2(TTN):c.67823_67824del (p.Leu22608fs)

Genes: TTN (titin; minus strand), TTN-AS1 (TTN antisense RNA 1; plus strand), LOC126806423 (CDK7 strongly-dependent group 2 enhancer GRCh37_chr2:179443309-179444508; plus strand). Cytogenetic location: 2q31.2.
Variant type: Deletion.
Coding change: c.67823_67824del on transcript NM_001267550.2 (MANE Select); coding-DNA positions 67823 to 67824, 2 bases deleted (TT; older notation c.67823_67824delTT).
Protein change: p.Leu22608fs; shifts the reading frame from leucine 22608.
Molecular consequence: frameshift variant.
Genome position (GRCh38, 1-based): chr2:178,579,206-178,579,207, AA deleted on the plus strand (TT on the coding strand, the reverse complement: TTN is on the minus strand). VCF-style (leftmost placement, unchanged base first): chr2-178579205-TAA-T. GRCh37 (hg19) VCF-style: chr2-179443932-TAA-T.
Other names: c.62900_62901del, p.Leu20967fs (NM_001256850.1); c.40628_40629del, p.Leu13543fs (NM_003319.4); c.60119_60120del, p.Leu20040fs (NM_133378.4); c.41003_41004del, p.Leu13668fs (NM_133432.3); c.41204_41205del, p.Leu13735fs (NM_133437.4); short protein forms L13543fs, L13668fs, L13735fs, L20040fs, L20967fs, L22608fs.
Identifiers: ClinVar variation 3751279 (VCV003751279.3).

ClinVar aggregate classification (germline): Likely pathogenic. Review status: criteria provided, multiple submitters, no conflicts (2 of 4 stars). 2 submissions from 2 submitters: Likely pathogenic (2). Last evaluated 2024-03-24.

Conditions:
Autosomal recessive limb-girdle muscular dystrophy type 2J (LGMDR10). Also called: Limb-girdle muscular dystrophy, type 2J; MUSCULAR DYSTROPHY, LIMB-GIRDLE, AUTOSOMAL RECESSIVE 10. Identifiers: Orphanet 140922, MedGen C1837342, MONDO:0012127, OMIM 608807.
Dilated cardiomyopathy 1G (CMD1G). Identifiers: Orphanet 154, MedGen C1858763, MONDO:0011400, OMIM 604145.
Cardiovascular phenotype. Identifiers: MedGen CN230736.

Submissions (2):

Labcorp Genetics (formerly Invitae), Labcorp
Classification: Likely pathogenic for Dilated cardiomyopathy 1G; Autosomal recessive limb-girdle muscular dystrophy type 2J. Last evaluated: 2024-03-24. Review status: criteria provided, single submitter. Criteria: Invitae Variant Classification Sherloc (09022015). Collection method: clinical testing. Allele origin: germline.
Comment: This sequence change creates a premature translational stop signal (p.Leu22608Hisfs*9) in the TTN gene. While this is not anticipated to result in nonsense mediated decay, it is expected to create a truncated TTN protein. This variant is not present in population databases (gnomAD no frequency). This variant has not been reported in the literature in individuals affected with TTN-related conditions. This variant is located in the A band of TTN (PMID: 25589632). Truncating variants in this region are significantly overrepresented in patients affected with dilated cardiomyopathy (PMID: 25589632). Truncating variants in this region have also been reported in individuals affected with autosomal recessive centronuclear myopathy (PMID: 23975875). In summary, the currently available evidence indicates that the variant is pathogenic, but additional data are needed to prove that conclusively. Therefore, this variant has been classified as Likely Pathogenic.

Molecular Diagnostic Laboratory for Inherited Cardiovascular Disease, Montreal Heart Institute
Classification: Likely pathogenic for Cardiovascular phenotype. Last evaluated: 2021-03-04. Review status: criteria provided, single submitter. Criteria: ACMG Guidelines, 2015. Collection method: clinical testing. Allele origin: germline. Affected: yes.

Literature cited by the submitters: PubMed 25589632 (cited by Labcorp Genetics (formerly Invitae), Labcorp); PubMed 23975875 (cited by Labcorp Genetics (formerly Invitae), Labcorp).